The following is an entry in ClinVar:

ClinVar aggregate classification (germline): Uncertain significance. Review status: criteria provided, multiple submitters, no conflicts (2 of 4 stars). 3 submissions from 3 submitters: Uncertain significance (2). 1 of the submissions does not count toward it. Last evaluated 2024-06-04.

Conditions:
Decreased circulating carnitine concentration. Also called: Decreased plasma carnitine. Identifiers: MedGen C5848230, HP:0003234.
Renal carnitine transport defect (CDSP). Also called: Systemic primary carnitine deficiency; Carnitine Deficiency, Systemic; Primary carnitine deficiency; Systemic primary carnitine deficiency disease; CARNITINE DEFICIENCY, SYSTEMIC, DUE TO DEFECT IN RENAL REABSORPTION OF CARNITINE; CARNITINE TRANSPORTER, PLASMA-MEMBRANE, DEFICIENCY OF. Identifiers: Orphanet 158, MedGen C0342788, MONDO:0008919, OMIM 212140.

Allele frequency attached by ClinVar (database versions not stated): ExAC 0.00001; TOPMed 0.00002.
gnomAD v4.1: 11 of 1,614,112 alleles (0.00068%); highest among the groups gnomAD compares: South Asian, 0.0077%; no homozygotes.

Submissions (3):

Blueprint Genetics
Classification: Uncertain significance. Last evaluated: 2024-06-04. Review status: criteria provided, single submitter. Criteria: ACMG Guidelines, 2015. Collection method: clinical testing. Allele origin: germline.

Labcorp Genetics (formerly Invitae), Labcorp
Classification: Uncertain significance for Renal carnitine transport defect. Last evaluated: 2022-08-09. Review status: criteria provided, single submitter. Criteria: Invitae Variant Classification Sherloc (09022015). Collection method: clinical testing. Allele origin: germline.
Comment: This sequence change replaces arginine, which is basic and polar, with histidine, which is basic and polar, at codon 298 of the SLC22A5 protein (p.Arg298His). This variant is present in population databases (rs747835354, gnomAD 0.006%). This variant has not been reported in the literature in individuals affected with SLC22A5-related conditions. ClinVar contains an entry for this variant (Variation ID: 1044000). Advanced modeling of protein sequence and biophysical properties (such as structural, functional, and spatial information, amino acid conservation, physicochemical variation, residue mobility, and thermodynamic stability) performed at Invitae indicates that this missense variant is not expected to disrupt SLC22A5 protein function. In summary, the available evidence is currently insufficient to determine the role of this variant in disease. Therefore, it has been classified as a Variant of Uncertain Significance.

Natera, Inc.
Classification: Uncertain significance for Carnitine deficiency. Last evaluated: 2020-08-06. Review status: no assertion criteria provided. Collection method: clinical testing. Allele origin: germline. Not counted in ClinVar's aggregate classification.

NM_003060.4(SLC22A5):c.893G>A (p.Arg298His)

Gene: SLC22A5 (solute carrier family 22 member 5; plus strand). Cytogenetic location: 5q31.1.
Variant type: single nucleotide variant.
Coding change: c.893G>A on transcript NM_003060.4 (MANE Select); coding-DNA position 893, G replaced by A.
Protein change: p.Arg298His; replaces arginine 298 with histidine.
Molecular consequence: missense variant.
Genome position (GRCh38, 1-based): chr5:132,387,093, G>A. VCF-style: chr5-132387093-G-A. GRCh37 (hg19) VCF-style: chr5-131722785-G-A.
Other names: c.965G>A, p.Arg322His (NM_001308122.2); short protein forms R298H, R322H.
Identifiers: ClinVar variation 1044000 (VCV001044000.9), dbSNP rs747835354, ClinGen allele CA3404006.